The following is an entry in ClinVar:

NM_000466.3(PEX1):c.3379C>T (p.Arg1127Trp)

Genes: GATAD1 (GATA zinc finger domain containing 1; plus strand), PEX1 (peroxisomal biogenesis factor 1; minus strand). Cytogenetic location: 7q21.2.
Variant type: single nucleotide variant.
Coding change: c.3379C>T on transcript NM_000466.3 (MANE Select); coding-DNA position 3379, C replaced by T.
Protein change: p.Arg1127Trp; replaces arginine 1127 with tryptophan.
Molecular consequence: missense variant.
Genome position (GRCh38, 1-based): chr7:92,491,331, G>A on the plus strand (C>T on the coding strand, the complement: PEX1 is on the minus strand). VCF-style: chr7-92491331-G-A. GRCh37 (hg19) VCF-style: chr7-92120645-G-A.
Other names: c.3208C>T, p.Arg1070Trp (NM_001282677.2); c.2755C>T, p.Arg919Trp (NM_001282678.2); c.3379C>T (NM_000466.2); short protein forms R919W, R1070W, R1127W.
Identifiers: ClinVar variation 2202226 (VCV002202226.7), dbSNP rs769066970, ClinGen allele CA4340842.

ClinVar aggregate classification (germline): Uncertain significance. Review status: criteria provided, multiple submitters, no conflicts (2 of 4 stars). 3 submissions from 3 submitters: Uncertain significance (3). Last evaluated 2026-03-30.

Conditions:
PEX1-related disorder. Also called: PEX1-related condition.
Zellweger spectrum disorders (ZS). Also called: Zellweger syndrome; Zellweger Spectrum Disorder; Zellweger Spectrum; Zellweger Spectrum Disorder (ZSD). Identifiers: Orphanet 912, MedGen C0043459, MONDO:0019609.
Inborn genetic diseases. Identifiers: MedGen C0950123, MeSH D030342.

Allele frequency attached by ClinVar (database versions not stated): ExAC 0.00001; gnomAD exomes 0.00003; TOPMed 0.00003; gnomAD 0.00004.
gnomAD v4.1: 49 of 1,613,702 alleles (0.003%); highest among the groups gnomAD compares: Non-Finnish European, 0.0027%; no homozygotes.

Submissions (3):

PreventionGenetics, part of Exact Sciences
Classification: Uncertain significance for PEX1-related condition. Last evaluated: 2026-03-30. Review status: criteria provided, single submitter. Criteria: ACMG Guidelines, 2015. Collection method: clinical testing. Allele origin: germline.
Comment: The PEX1 c.3379C>T variant is predicted to result in the amino acid substitution p.Arg1127Trp. To our knowledge, this variant has not been reported in the literature. This variant is reported in 0.0096% of alleles in individuals of Ashkenazi Jewish descent in gnomAD. At this time, the clinical significance of this variant is uncertain due to the absence of conclusive functional and genetic evidence.

Ambry Genetics
Classification: Uncertain significance for Inborn genetic diseases. Last evaluated: 2025-12-15. Review status: criteria provided, single submitter. Criteria: Ambry Variant Classification Scheme 2023. Collection method: clinical testing. Allele origin: germline.
Comment: The c.3379C>T (p.R1127W) alteration is located in exon 21 (coding exon 21) of the PEX1 gene. This alteration results from a C to T substitution at nucleotide position 3379, causing the arginine (R) at amino acid position 1127 to be replaced by a tryptophan (W). Based on data from gnomAD, the T allele has an overall frequency of 0.002% (6/282678) total alleles studied. The highest observed frequency was 0.01% (1/10366) of Ashkenazi Jewish alleles. Based on insufficient or conflicting evidence, the clinical significance of this alteration remains unclear.

Labcorp Genetics (formerly Invitae), Labcorp
Classification: Uncertain significance for Zellweger spectrum disorders. Last evaluated: 2025-03-17. Review status: criteria provided, single submitter. Criteria: Invitae Variant Classification Sherloc (09022015). Collection method: clinical testing. Allele origin: germline.
Comment: This sequence change replaces arginine, which is basic and polar, with tryptophan, which is neutral and slightly polar, at codon 1127 of the PEX1 protein (p.Arg1127Trp). This variant is present in population databases (rs769066970, gnomAD 0.01%). This variant has not been reported in the literature in individuals affected with PEX1-related conditions. ClinVar contains an entry for this variant (Variation ID: 2202226). Invitae Evidence Modeling of protein sequence and biophysical properties (such as structural, functional, and spatial information, amino acid conservation, physicochemical variation, residue mobility, and thermodynamic stability) indicates that this missense variant is expected to disrupt PEX1 protein function with a positive predictive value of 95%. In summary, the available evidence is currently insufficient to determine the role of this variant in disease. Therefore, it has been classified as a Variant of Uncertain Significance.